The following is an entry in ClinVar:

NM_005739.4(RASGRP1):c.1592C>G (p.Ser531Ter)

Gene: RASGRP1 (RAS guanyl releasing protein 1; minus strand). Cytogenetic location: 15q14.
Variant type: single nucleotide variant.
Coding change: c.1592C>G on transcript NM_005739.4 (MANE Select); coding-DNA position 1592, C replaced by G.
Protein change: p.Ser531Ter; replaces serine 531 with a stop codon.
Molecular consequence: nonsense.
Genome position (GRCh38, 1-based): chr15:38,501,234, G>C on the plus strand (C>G on the coding strand, the complement: RASGRP1 is on the minus strand). VCF-style: chr15-38501234-G-C. GRCh37 (hg19) VCF-style: chr15-38793435-G-C.
Other names: c.1487C>G, p.Ser496Ter (NM_001306086.2, NM_001128602.2); short protein forms S496*, S531*.
Identifiers: ClinVar variation 982603 (VCV000982603.1), dbSNP rs1891006332, ClinGen allele CA391664306.

ClinVar aggregate classification (germline): Uncertain significance (1 of 4 stars; one submission).

Conditions:
Immunodeficiency 64. Also called: IMMUNODEFICIENCY 64 WITH LYMPHOPROLIFERATION. Identifiers: Orphanet 664699, MedGen C5231402, MONDO:0032803, OMIM 618534.

Submission:

Institute of Human Genetics, University of Leipzig Medical Center
Classification: Uncertain significance for Immunodeficiency 64. Last evaluated: 2019-01-01. Review status: criteria provided, single submitter. Criteria: ACMG Guidelines, 2015. Collection method: clinical testing. Allele origin: de novo. Affected: no.
Comment: This variant was identified as de novo.